The following is an entry in ClinVar:

NM_006218.4(PIK3CA):c.2038G>A (p.Val680Ile)

Gene: PIK3CA (phosphatidylinositol-4,5-bisphosphate 3-kinase catalytic subunit alpha; plus strand). Cytogenetic location: 3q26.32.
Variant type: single nucleotide variant.
Coding change: c.2038G>A on transcript NM_006218.4 (MANE Select); coding-DNA position 2038, G replaced by A.
Protein change: p.Val680Ile; replaces valine 680 with isoleucine.
Molecular consequence: missense variant.
Genome position (GRCh38, 1-based): chr3:179,221,008, G>A. VCF-style: chr3-179221008-G-A. GRCh37 (hg19) VCF-style: chr3-178938796-G-A.
Other names: short protein forms V680I.
Identifiers: ClinVar variation 1722173 (VCV001722173.6), dbSNP rs759150318, ClinGen allele CA2710872.

ClinVar aggregate classification (germline): Uncertain significance (1 of 4 stars; one submission).

Conditions:
Cowden syndrome (CS). Also called: Cowden's disease; Cowden's syndrome; Cowden disease. Identifiers: Orphanet 201, MedGen C0018553, MONDO:0016063. Disease mechanism: gain of function.

Allele frequency attached by ClinVar (database versions not stated): ExAC 0.00001; gnomAD 0.00001.
gnomAD v4.1: 1 of 1,612,428 alleles (0.000062%); highest among the groups gnomAD compares: Non-Finnish European, 0.000085%; no homozygotes.

Submission:

Labcorp Genetics (formerly Invitae), Labcorp
Classification: Uncertain significance for Cowden syndrome. Last evaluated: 2022-10-26. Review status: criteria provided, single submitter. Criteria: Invitae Variant Classification Sherloc (09022015). Collection method: clinical testing. Allele origin: germline.
Comment: In summary, the available evidence is currently insufficient to determine the role of this variant in disease. Therefore, it has been classified as a Variant of Uncertain Significance. Algorithms developed to predict the effect of missense changes on protein structure and function (SIFT, PolyPhen-2, Align-GVGD) all suggest that this variant is likely to be tolerated. This variant has not been reported in the literature in individuals affected with PIK3CA-related conditions. This variant is present in population databases (rs759150318, gnomAD 0.0009%). This sequence change replaces valine, which is neutral and non-polar, with isoleucine, which is neutral and non-polar, at codon 680 of the PIK3CA protein (p.Val680Ile).